The following is an entry in ClinVar:

NM_019109.5(ALG1):c.863-3T>A

Gene: ALG1 (ALG1 chitobiosyldiphosphodolichol beta-mannosyltransferase; plus strand). Cytogenetic location: 16p13.3.
Variant type: single nucleotide variant.
Coding change: c.863-3T>A on transcript NM_019109.5 (MANE Select); 3 bases into the intron before coding-DNA position 863, T replaced by A.
Molecular consequence: intron variant.
Genome position (GRCh38, 1-based): chr16:5,079,061, T>A. VCF-style: chr16-5079061-T-A. GRCh37 (hg19) VCF-style: chr16-5129062-T-A.
Other names: c.530-3T>A (NM_001330504.2).
Identifiers: ClinVar variation 1992432 (VCV001992432.4), dbSNP rs1208866677, ClinGen allele CA2580091205.

ClinVar aggregate classification (germline): Uncertain significance (1 of 4 stars; one submission).

Conditions:
ALG1-congenital disorder of glycosylation. Also called: CONGENITAL DISORDER OF GLYCOSYLATION, TYPE Ik; CDG Ik; ALG1-CDG. Identifiers: Orphanet 79327, MedGen C2931005, MONDO:0012052, OMIM 608540.

Submission:

Labcorp Genetics (formerly Invitae), Labcorp
Classification: Uncertain significance for ALG1-congenital disorder of glycosylation. Last evaluated: 2022-05-16. Review status: criteria provided, single submitter. Criteria: Invitae Variant Classification Sherloc (09022015). Collection method: clinical testing. Allele origin: germline.
Comment: In summary, the available evidence is currently insufficient to determine the role of this variant in disease. Therefore, it has been classified as a Variant of Uncertain Significance. Variants that disrupt the consensus splice site are a relatively common cause of aberrant splicing (PMID: 17576681, 9536098). Algorithms developed to predict the effect of sequence changes on RNA splicing suggest that this variant may disrupt the consensus splice site. This variant has not been reported in the literature in individuals affected with ALG1-related conditions. This variant is not present in population databases (gnomAD no frequency). This sequence change falls in intron 7 of the ALG1 gene. It does not directly change the encoded amino acid sequence of the ALG1 protein. It affects a nucleotide within the consensus splice site.

Literature cited by the submitters: PubMed 17576681; PubMed 9536098.